The following is an entry in ClinVar:

ClinVar aggregate classification (germline): Uncertain significance. Review status: criteria provided, multiple submitters, no conflicts (2 of 4 stars). 3 submissions from 3 submitters: Uncertain significance (3). Last evaluated 2025-10-29.

Conditions:
Multiple endocrine neoplasia type 4. Also called: MULTIPLE ENDOCRINE NEOPLASIA, TYPE IV. Identifiers: Orphanet 276152, MedGen C1970712, MONDO:0012552, OMIM 610755.
Hereditary cancer-predisposing syndrome. Also called: Tumor predisposition; Hereditary neoplastic syndrome; Hereditary Cancer Syndrome; Neoplastic Syndromes, Hereditary. Identifiers: Orphanet 140162, MedGen C0027672, MeSH D009386, MONDO:0015356.

Submissions (3):

Ambry Genetics
Classification: Uncertain significance for Hereditary cancer-predisposing syndrome. Last evaluated: 2025-10-29. Review status: criteria provided, single submitter. Criteria: Ambry Variant Classification Scheme 2023. Collection method: clinical testing. Allele origin: germline.
Comment: The p.E22Q variant (also known as c.64G>C), located in coding exon 1 of the CDKN1B gene, results from a G to C substitution at nucleotide position 64. The glutamic acid at codon 22 is replaced by glutamine, an amino acid with highly similar properties. This amino acid position is well conserved in available vertebrate species. In addition, the in silico prediction for this alteration is inconclusive. Since supporting evidence is limited at this time, the clinical significance of this alteration remains unclear.

Quest Diagnostics Nichols Institute San Juan Capistrano
Classification: Uncertain significance. Last evaluated: 2025-05-22. Review status: criteria provided, single submitter. Criteria: Quest Diagnostics criteria. Collection method: clinical testing. Allele origin: unknown.
Comment: The CDKN1B c.64G>C (p.Glu22Gln) variant has been reported in the published literature in the somatic state in an individual with metastatic colorectal or lung adenocarcinoma (PMID: 28125075 (2017)). This variant has not been reported in large, multi-ethnic general populations (Genome Aggregation Database). Analysis of this variant using bioinformatics tools for the prediction of the effect of amino acid changes on protein structure and function yielded predictions that this variant is benign. Based on the available information, we are unable to determine the clinical significance of this variant.

Labcorp Genetics (formerly Invitae), Labcorp
Classification: Uncertain significance for Multiple endocrine neoplasia type 4. Last evaluated: 2025-03-26. Review status: criteria provided, single submitter. Criteria: Invitae Variant Classification Sherloc (09022015). Collection method: clinical testing. Allele origin: germline.
Comment: This sequence change replaces glutamic acid, which is acidic and polar, with glutamine, which is neutral and polar, at codon 22 of the CDKN1B protein (p.Glu22Gln). This variant is not present in population databases (gnomAD no frequency). This variant has not been reported in the literature in individuals affected with CDKN1B-related conditions. ClinVar contains an entry for this variant (Variation ID: 1445179). An algorithm developed to predict the effect of missense changes on protein structure and function (PolyPhen-2) suggests that this variant is likely to be tolerated. In summary, the available evidence is currently insufficient to determine the role of this variant in disease. Therefore, it has been classified as a Variant of Uncertain Significance.

Literature cited by the submitters: PubMed 28125075 (cited by Quest Diagnostics Nichols Institute San Juan Capistrano).

NM_004064.5(CDKN1B):c.64G>C (p.Glu22Gln)

Gene: CDKN1B (cyclin dependent kinase inhibitor 1B; plus strand). Cytogenetic location: 12p13.1.
Variant type: single nucleotide variant.
Coding change: c.64G>C on transcript NM_004064.5 (MANE Select); coding-DNA position 64, G replaced by C.
Protein change: p.Glu22Gln; replaces glutamic acid 22 with glutamine.
Molecular consequence: missense variant.
Genome position (GRCh38, 1-based): chr12:12,717,903, G>C. VCF-style: chr12-12717903-G-C. GRCh37 (hg19) VCF-style: chr12-12870837-G-C.
Other names: c.64G>C (NM_004064.4); short protein forms E22Q.
Identifiers: ClinVar variation 1445179 (VCV001445179.10), dbSNP rs2136355461, ClinGen allele CA383968258.